The following is an entry in ClinVar:

ClinVar aggregate classification (germline): Uncertain significance (1 of 4 stars; one submission).

Submission:

Labcorp Genetics (formerly Invitae), Labcorp
Classification: Uncertain significance. Last evaluated: 2025-12-31. Review status: criteria provided, single submitter. Criteria: Invitae Variant Classification Sherloc (09022015). Collection method: clinical testing. Allele origin: germline.
Comment: This sequence change replaces methionine, which is neutral and non-polar, with threonine, which is neutral and polar, at codon 251 of the TBXA2R protein (p.Met251Thr). This variant is present in population databases (no rsID available, gnomAD 0.03%). This variant has not been reported in the literature in individuals affected with TBXA2R-related conditions. Invitae Evidence Modeling of protein sequence and biophysical properties (such as structural, functional, and spatial information, amino acid conservation, physicochemical variation, residue mobility, and thermodynamic stability) indicates that this missense variant is not expected to disrupt TBXA2R protein function with a negative predictive value of 80%. In summary, the available evidence is currently insufficient to determine the role of this variant in disease. Therefore, it has been classified as a Variant of Uncertain Significance.

NM_001060.6(TBXA2R):c.752T>C (p.Met251Thr)

Gene: TBXA2R (thromboxane A2 receptor; minus strand). Cytogenetic location: 19p13.3.
Variant type: single nucleotide variant.
Coding change: c.752T>C on transcript NM_001060.6 (MANE Select); coding-DNA position 752, T replaced by C.
Protein change: p.Met251Thr; replaces methionine 251 with threonine.
Molecular consequence: missense variant.
Genome position (GRCh38, 1-based): chr19:3,599,883, A>G on the plus strand (T>C on the coding strand, the complement: TBXA2R is on the minus strand). VCF-style: chr19-3599883-A-G. GRCh37 (hg19) VCF-style: chr19-3599881-A-G.
Other names: c.752T>C, p.Met251Thr (NM_201636.3); short protein forms M251T.
Identifiers: ClinVar variation 4694836 (VCV004694836.1).